The following is an entry in ClinVar:

NM_000883.4(IMPDH1):c.98C>T (p.Ala33Val)

Genes: IMPDH1 (inosine monophosphate dehydrogenase 1; minus strand), LOC129999258 (ATAC-STARR-seq lymphoblastoid silent region 18606; plus strand). Cytogenetic location: 7q32.1.
Variant type: single nucleotide variant.
Coding change: c.98C>T on transcript NM_000883.4 (MANE Select); coding-DNA position 98, C replaced by T.
Protein change: p.Ala33Val; replaces alanine 33 with valine.
Molecular consequence: missense variant.
Genome position (GRCh38, 1-based): chr7:128,409,804, G>A on the plus strand (C>T on the coding strand, the complement: IMPDH1 is on the minus strand). VCF-style: chr7-128409804-G-A. GRCh37 (hg19) VCF-style: chr7-128049858-G-A.
Other names: c.98C>T, p.Ala33Val (NM_001102605.2, NM_001142576.2, NM_001304521.2 and 1 more transcripts); short protein forms A33V.
Identifiers: ClinVar variation 3684101 (VCV003684101.2).
Genomic context (GRCh38, chr7:128,409,804, plus strand): 5'-CCTGGGCGTCACCTCTCGGGCTCGTAGCCGGCCTGCAGCAGTCGGGCGCTGTACCGCTGC[G>A]CCGCCGTCTCGTGTCCCGGGTGTTGCCGGGCTCCGGGCTCCGGAACAGCGGCGGCTCCGC-3'
Protein context (NP_000874.2, residues 23-43): ARQHPGHETA[Ala33Val]QRYSARLLQA

ClinVar aggregate classification (germline): Uncertain significance (1 of 4 stars; one submission).

gnomAD v4.1: 5 of 1,500,968 alleles (0.00033%); highest among the groups gnomAD compares: Admixed American, 0.0021%; no homozygotes.

Submission:

Labcorp Genetics (formerly Invitae), Labcorp
Classification: Uncertain significance. Last evaluated: 2025-11-15. Review status: criteria provided, single submitter. Criteria: Invitae Variant Classification Sherloc (09022015). Collection method: clinical testing. Allele origin: germline.
Comment: This sequence change replaces alanine, which is neutral and non-polar, with valine, which is neutral and non-polar, at codon 33 of the IMPDH1 protein (p.Ala33Val). The frequency data for this variant in the population databases is considered unreliable, as metrics indicate poor data quality at this position in the gnomAD database. This variant has not been reported in the literature in individuals affected with IMPDH1-related conditions. ClinVar contains an entry for this variant (Variation ID: 3684101). An algorithm developed to predict the effect of missense changes on protein structure and function (PolyPhen-2) suggests that this variant is likely to be disruptive. In summary, the available evidence is currently insufficient to determine the role of this variant in disease. Therefore, it has been classified as a Variant of Uncertain Significance.